The following is an entry in ClinVar:

NM_000540.3(RYR1):c.6333G>A (p.Val2111=)

Gene: RYR1 (ryanodine receptor 1; plus strand). Cytogenetic location: 19q13.2.
Variant type: single nucleotide variant.
Coding change: c.6333G>A on transcript NM_000540.3 (MANE Select); coding-DNA position 6333, G replaced by A.
Protein change: p.Val2111=; no amino-acid change (valine 2111 retained).
Molecular consequence: synonymous variant.
Genome position (GRCh38, 1-based): chr19:38,494,410, G>A. VCF-style: chr19-38494410-G-A. GRCh37 (hg19) VCF-style: chr19-38985050-G-A.
Other names: c.6333G>A, p.Val2111= (NM_001042723.2).
Identifiers: ClinVar variation 3385423 (VCV003385423.2).

ClinVar aggregate classification (germline): Likely benign. Review status: criteria provided, multiple submitters, no conflicts (2 of 4 stars). 2 submissions from 2 submitters: Likely benign (2). Last evaluated 2025-03-09.

Conditions:
RYR1-related disorder. Also called: RYR1-related disorders; RYR1-related condition. Identifiers: MedGen CN239331.
Malignant hyperthermia, susceptibility to, 1 (MHS1). Also called: Anesthesia related hyperthermia; Malignant hyperpyrexia; Fulminating hyperpyrexia; Pharmacogenic myopathy; Malignant hyperthermia suceptibility 1; RYR1-Related Malignant Hyperthermia Susceptibility. Identifiers: Orphanet 423, MedGen C2930980, MONDO:0007783, OMIM 145600.

gnomAD v4.1: 1 of 1,612,066 alleles (0.000062%); highest among the groups gnomAD compares: African/African-American, 0.0013%; no homozygotes.

Submissions (2):

Labcorp Genetics (formerly Invitae), Labcorp
Classification: Likely benign for RYR1-related disorder. Last evaluated: 2025-03-09. Review status: criteria provided, single submitter. Criteria: Invitae Variant Classification Sherloc (09022015). Collection method: clinical testing. Allele origin: germline.

All of Us Research Program, National Institutes of Health
Classification: Likely benign for Malignant hyperthermia, susceptibility to, 1. Last evaluated: 2024-05-30. Review status: criteria provided, single submitter. Criteria: ACMG Guidelines, 2015. Collection method: clinical testing. Allele origin: germline. Inheritance: Autosomal dominant inheritance. Observed: 1 variant allele, 1 heterozygote.
Comment: This study involves interpretation of variants in research participants for the purpose of population health screening. Participant phenotype was not available at the time of variant classification. Additional details can be found in publication PMID: 35346344, PMCID: PMC8962531